The following is an entry in ClinVar:

ClinVar aggregate classification (germline): Likely pathogenic (1 of 4 stars; one submission).

Conditions:
Renal tubular acidosis with progressive nerve deafness. Also called: Distal Renal Tubular Acidosis with Progressive Sensorineural Deafness; renal tubular acidosis, distal, 2, with progressive sensorineural hearing loss; RENAL TUBULAR ACIDOSIS, AUTOSOMAL RECESSIVE, WITH PROGRESSIVE NERVE DEAFNESS; RTA WITH PROGRESSIVE NERVE DEAFNESS. Identifiers: MedGen C0403554, MONDO:0009968, OMIM 267300.

Submission:

Natera, Inc.
Classification: Likely pathogenic for Renal tubular acidosis with progressive nerve deafness. Last evaluated: 2025-09-25. Review status: criteria provided, single submitter. Criteria: Natera Variant Classification Schema (03/2026). Collection method: clinical testing. Allele origin: germline.
Comment: The c.1399_1404delinsAG variant in ATP6V1B1 is a frameshift variant predicted to shift the reading frame beginning at codon 467 and leads to a stop codon 19 codons downstream. This variant is expected to result in nonsense mediated decay, truncation, or a dysfunctional protein product. This variant is rare in the general population with a frequency below the threshold expected for the associated phenotype(s). Given the available evidence, this variant is classified as Likely Pathogenic.

NM_001692.4(ATP6V1B1):c.1399_1404delinsAG (p.Val467fs)

Gene: ATP6V1B1 (ATPase H+ transporting V1 subunit B1; plus strand). Cytogenetic location: 2p13.3.
Variant type: Indel.
Coding change: c.1399_1404delinsAG on transcript NM_001692.4 (MANE Select); coding-DNA positions 1399 to 1404, GTGTTC replaced by AG.
Protein change: p.Val467fs; shifts the reading frame from valine 467.
Molecular consequence: frameshift variant.
Genome position (GRCh38, 1-based): chr2:70,964,978-70,964,983, GTGTTC replaced by AG. VCF-style: chr2-70964978-GTGTTC-AG. GRCh37 (hg19) VCF-style: chr2-71192108-GTGTTC-AG.
Other names: short protein forms V467fs.
Identifiers: ClinVar variation 4814931 (VCV004814931.1).